The following is an entry in ClinVar:

ClinVar aggregate classification (germline): Uncertain significance (1 of 4 stars; one submission).

Conditions:
Werner syndrome (WRN). Identifiers: Orphanet 902, MedGen C0043119, MONDO:0010196, OMIM 277700.

Allele frequency attached by ClinVar (database versions not stated): gnomAD exomes below 0.00001; ExAC 0.00001.
gnomAD v4.1: 3 of 1,568,494 alleles (0.00019%); highest among the groups gnomAD compares: South Asian, 0.0034%; no homozygotes.

Submission:

Labcorp Genetics (formerly Invitae), Labcorp
Classification: Uncertain significance for Werner syndrome. Last evaluated: 2022-08-08. Review status: criteria provided, single submitter. Criteria: Invitae Variant Classification Sherloc (09022015). Collection method: clinical testing. Allele origin: germline.
Comment: In summary, the available evidence is currently insufficient to determine the role of this variant in disease. Therefore, it has been classified as a Variant of Uncertain Significance. Algorithms developed to predict the effect of sequence changes on RNA splicing suggest that this variant may disrupt the consensus splice site. This variant has not been reported in the literature in individuals affected with WRN-related conditions. This variant is present in population databases (rs754588248, gnomAD 0.004%). This sequence change falls in intron 27 of the WRN gene. It does not directly change the encoded amino acid sequence of the WRN protein.

NM_000553.6(WRN):c.3310-11T>C

Gene: WRN (WRN RecQ like helicase; plus strand). Cytogenetic location: 8p12.
Variant type: single nucleotide variant.
Coding change: c.3310-11T>C on transcript NM_000553.6 (MANE Select); 11 bases into the intron before coding-DNA position 3310, T replaced by C.
Molecular consequence: intron variant.
Genome position (GRCh38, 1-based): chr8:31,143,539, T>C. VCF-style: chr8-31143539-T-C. GRCh37 (hg19) VCF-style: chr8-31001055-T-C.
Identifiers: ClinVar variation 2022344 (VCV002022344.4), dbSNP rs754588248, ClinGen allele CA4705016.